The following is an entry in ClinVar:

ClinVar aggregate classification (germline): Uncertain significance. Review status: criteria provided, multiple submitters, no conflicts (2 of 4 stars). 3 submissions from 3 submitters: Uncertain significance (3). Last evaluated 2026-05-22.

Conditions:
Hereditary sensory and autonomic neuropathy type 7. Also called: HSAN VII; Neuropathy, hereditary sensory and autonomic, type VII. Identifiers: Orphanet 391397, MedGen C3809882, MONDO:0014244, OMIM 615548.
Familial episodic pain syndrome with predominantly lower limb involvement. Also called: Episodic pain syndrome, familial, 3. Identifiers: Orphanet 391384, Orphanet 391392, MedGen C3809899, MONDO:0014247, OMIM 615552.
Inborn genetic diseases. Identifiers: MedGen C0950123, MeSH D030342.

gnomAD v4.1: 2 of 1,612,984 alleles (0.00012%); highest among the groups gnomAD compares: Middle Eastern, 0.019%; no homozygotes.

Submissions (3):

GeneDx
Classification: Uncertain significance. Last evaluated: 2026-05-22. Review status: criteria provided, single submitter. Criteria: GeneDx Variant Classification Process June 2021. Collection method: clinical testing. Allele origin: germline.
Comment: Not observed at significant frequency in large population cohorts (gnomAD); In silico analysis supports a deleterious effect on splicing; In silico analysis suggests that this missense variant does not alter protein structure/function; Has not been previously published as pathogenic or benign to our knowledge

Labcorp Genetics (formerly Invitae), Labcorp
Classification: Uncertain significance for Familial episodic pain syndrome with predominantly lower limb involvement; Hereditary sensory and autonomic neuropathy type 7. Last evaluated: 2024-03-26. Review status: criteria provided, single submitter. Criteria: Invitae Variant Classification Sherloc (09022015). Collection method: clinical testing. Allele origin: germline.
Comment: This sequence change replaces aspartic acid, which is acidic and polar, with glycine, which is neutral and non-polar, at codon 972 of the SCN11A protein (p.Asp972Gly). This variant is not present in population databases (gnomAD no frequency). This variant has not been reported in the literature in individuals affected with SCN11A-related conditions. ClinVar contains an entry for this variant (Variation ID: 1797617). Algorithms developed to predict the effect of missense changes on protein structure and function output the following: SIFT: "Not Available"; PolyPhen-2: "Benign"; Align-GVGD: "Not Available". The glycine amino acid residue is found in multiple mammalian species, which suggests that this missense change does not adversely affect protein function. Algorithms developed to predict the effect of sequence changes on RNA splicing suggest that this variant may disrupt the consensus splice site. In summary, the available evidence is currently insufficient to determine the role of this variant in disease. Therefore, it has been classified as a Variant of Uncertain Significance.

Ambry Genetics
Classification: Uncertain significance for Inborn genetic diseases. Last evaluated: 2022-08-03. Review status: criteria provided, single submitter. Criteria: Ambry Variant Classification Scheme 2023. Collection method: clinical testing. Allele origin: germline.
Comment: The p.D972G variant (also known as c.2915A>G), located in coding exon 16 of the SCN11A gene, results from an A to G substitution at nucleotide position 2915. The aspartic acid at codon 972 is replaced by glycine, an amino acid with similar properties. This amino acid position is not well conserved in available vertebrate species, and glycine is the reference amino acid in other vertebrate species. In addition, this alteration is predicted to be tolerated by in silico analysis. Since supporting evidence is limited at this time, the clinical significance of this alteration remains unclear.

NM_001349253.2(SCN11A):c.2915A>G (p.Asp972Gly)

Gene: SCN11A (sodium voltage-gated channel alpha subunit 11; minus strand). Cytogenetic location: 3p22.2.
Variant type: single nucleotide variant.
Coding change: c.2915A>G on transcript NM_001349253.2 (MANE Select); coding-DNA position 2915, A replaced by G.
Protein change: p.Asp972Gly; replaces aspartic acid 972 with glycine.
Molecular consequence: missense variant.
Genome position (GRCh38, 1-based): chr3:38,886,159, T>C on the plus strand (A>G on the coding strand, the complement: SCN11A is on the minus strand). VCF-style: chr3-38886159-T-C. GRCh37 (hg19) VCF-style: chr3-38927650-T-C.
Other names: c.2915A>G, p.Asp972Gly (NM_014139.3); short protein forms D972G.
Identifiers: ClinVar variation 1797617 (VCV001797617.6), dbSNP rs1162143163, ClinGen allele CA352174085.
Genomic context (GRCh38, chr3:38,886,159, plus strand): 5'-CTCTGACAACATCCTAGGAAAATTACCTTTCGGGGATCCTGTATGGTCAGATGAGGCTCA[T>C]CTTCAGAGAACATGTCAATTTCCACACTTTGAACTCTCTGGCTCGTGGGCTTCTTGTTCT-3'
Protein context (NP_001336182.1, residues 962-982): QSVEIDMFSE[Asp972Gly]EPHLTIQDPR